The following is an entry in ClinVar:

ClinVar aggregate classification (germline): Likely benign. Review status: criteria provided, multiple submitters, no conflicts (2 of 4 stars). 3 submissions from 3 submitters: Likely benign (3). Last evaluated 2025-08-12.

Conditions:
Evans syndrome, immunodeficiency, and premature immunosenescence associated with tripeptidyl-peptidase II deficiency. Identifiers: MedGen CN231723. Disease mechanism: loss of function.

Allele frequency attached by ClinVar (database versions not stated): gnomAD exomes 0.00001; gnomAD 0.00004; TOPMed 0.00005.
gnomAD v4.1: 16 of 1,606,018 alleles (0.001%); highest among the groups gnomAD compares: Non-Finnish European, 0.0013%; no homozygotes.

Submissions (3):

Labcorp Genetics (formerly Invitae), Labcorp
Classification: Likely benign for Evans syndrome, immunodeficiency, and premature immunosenescence associated with tripeptidyl-peptidase II deficiency. Last evaluated: 2025-08-12. Review status: criteria provided, single submitter. Criteria: Invitae Variant Classification Sherloc (09022015). Collection method: clinical testing. Allele origin: germline.

CeGaT Center for Human Genetics Tuebingen
Classification: Likely benign. Last evaluated: 2023-10-01. Review status: criteria provided, single submitter. Criteria: CeGaT Center For Human Genetics Tuebingen Variant Classification Criteria Version 2. Collection method: clinical testing. Allele origin: germline. Affected: yes. Observed: 1 variant allele.
Comment: TPP2: BP4, BP7

Blueprint Genetics
Classification: Likely benign. Last evaluated: 2022-07-27. Review status: criteria provided, single submitter. Criteria: ACMG Guidelines, 2015. Collection method: clinical testing. Allele origin: germline.

NM_001330588.2(TPP2):c.1812A>G (p.Leu604=)

Gene: TPP2 (tripeptidyl peptidase 2; plus strand). Cytogenetic location: 13q33.1.
Variant type: single nucleotide variant.
Coding change: c.1812A>G on transcript NM_001330588.2 (MANE Select); coding-DNA position 1812, A replaced by G.
Protein change: p.Leu604=; no amino-acid change (leucine 604 retained).
Molecular consequence: synonymous variant. On other transcripts: non-coding transcript variant (1).
Genome position (GRCh38, 1-based): chr13:102,637,215, A>G. VCF-style: chr13-102637215-A-G. GRCh37 (hg19) VCF-style: chr13-103289565-A-G.
Other names: c.1812A>G, p.Leu604= (NM_001367947.1, NM_003291.4).
Identifiers: ClinVar variation 737020 (VCV000737020.31), dbSNP rs927519073, ClinGen allele CA255161587.